The following is an entry in ClinVar:

ClinVar aggregate classification (germline): Conflicting classifications of pathogenicity. Review status: criteria provided, conflicting classifications (1 of 4 stars). 2 submissions from 2 submitters: Uncertain significance (1); Likely benign (1). Last evaluated 2023-03-23.

Conditions:
Hereditary cancer-predisposing syndrome. Also called: Tumor predisposition; Hereditary neoplastic syndrome; Neoplastic Syndromes, Hereditary; Hereditary Cancer Syndrome. Identifiers: Orphanet 140162, MedGen C0027672, MeSH D009386, MONDO:0015356.
Hereditary breast ovarian cancer syndrome. Also called: Hereditary breast and ovarian cancer syndrome; Hereditary breast and/or ovarian cancer syndrome; Hereditary breast and ovarian cancer; Breast and ovarian cancer; Hereditary breast and ovarian cancer syndrome (HBOC); BRCA1- and BRCA2-Associated Hereditary Breast and Ovarian Cancer. Identifiers: Orphanet 145, MedGen C0677776, MeSH D061325, MONDO:0003582. Disease mechanism: loss of function.

Submissions (2):

University of Washington Department of Laboratory Medicine, University of Washington
Classification: Likely benign for Hereditary cancer-predisposing syndrome. Last evaluated: 2023-03-23. Review status: criteria provided, single submitter. Criteria: Dines et al. (Genet Med. 2020). Collection method: curation. Allele origin: germline.
Comment: Missense variant in a coldspot region where missense variants are very unlikely to be pathogenic (PMID:31911673).

BRCA2 exon 11 coldspot. Reclassification based on statistical prior probability.

Labcorp Genetics (formerly Invitae), Labcorp
Classification: Uncertain significance for Hereditary breast ovarian cancer syndrome. Last evaluated: 2021-10-05. Review status: criteria provided, single submitter. Criteria: Invitae Variant Classification Sherloc (09022015). Collection method: clinical testing. Allele origin: germline.
Comment: Advanced modeling of protein sequence and biophysical properties (such as structural, functional, and spatial information, amino acid conservation, physicochemical variation, residue mobility, and thermodynamic stability) performed at Invitae indicates that this missense variant is not expected to disrupt BRCA2 protein function. This variant has not been reported in the literature in individuals affected with BRCA2-related conditions. This variant is not present in population databases (ExAC no frequency). This sequence change replaces asparagine with serine at codon 2135 of the BRCA2 protein (p.Asn2135Ser). The asparagine residue is moderately conserved and there is a small physicochemical difference between asparagine and serine. Algorithms developed to predict the effect of sequence changes on RNA splicing suggest that this variant may create or strengthen a splice site. In summary, the available evidence is currently insufficient to determine the role of this variant in disease. Therefore, it has been classified as a Variant of Uncertain Significance.

NM_000059.4(BRCA2):c.6404A>G (p.Asn2135Ser)

Gene: BRCA2 (BRCA2 DNA repair associated; plus strand). Cytogenetic location: 13q13.1.
Variant type: single nucleotide variant.
Coding change: c.6404A>G on transcript NM_000059.4 (MANE Select); coding-DNA position 6404, A replaced by G.
Protein change: p.Asn2135Ser; replaces asparagine 2135 with serine.
Molecular consequence: missense variant.
Genome position (GRCh38, 1-based): chr13:32,340,759, A>G. VCF-style: chr13-32340759-A-G. GRCh37 (hg19) VCF-style: chr13-32914896-A-G.
Other names: short protein forms N2135S.
Identifiers: ClinVar variation 1427053 (VCV001427053.7), dbSNP rs2137527179, ClinGen allele CA387789244.